The following is an entry in ClinVar:

ClinVar aggregate classification (germline): Likely pathogenic (1 of 4 stars; one submission).

Submission:

GeneDx
Classification: Likely pathogenic. Last evaluated: 2026-03-21. Review status: criteria provided, single submitter. Criteria: GeneDx Variant Classification Process June 2021. Collection method: clinical testing. Allele origin: germline.
Comment: Frameshift variant predicted to result in protein truncation or nonsense mediated decay in a gene for which loss of function is a known mechanism of disease; Not observed at significant frequency in large population cohorts (gnomAD); Has not been previously published as pathogenic or benign to our knowledge

NM_001365276.2(TNXB):c.3757_3758delinsA (p.Pro1253fs)

Gene: TNXB (tenascin XB; minus strand). Cytogenetic location: 6p21.33.
Variant type: Indel.
Coding change: c.3757_3758delinsA on transcript NM_001365276.2 (MANE Select); coding-DNA positions 3757 to 3758, CC replaced by A.
Protein change: p.Pro1253fs; shifts the reading frame from proline 1253.
Molecular consequence: frameshift variant.
Genome position (GRCh38, 1-based): chr6:32,081,652-32,081,653, GG replaced by T on the plus strand (CC replaced by A on the coding strand, the reverse complement: TNXB is on the minus strand). VCF-style: chr6-32081652-GG-T. GRCh37 (hg19) VCF-style: chr6-32049429-GG-T.
Other names: c.4498_4499delinsA, p.Pro1500fs (NM_001428335.1); c.3757_3758delinsA, p.Pro1253fs (NM_019105.8); short protein forms P1253fs, P1500fs.
Identifiers: ClinVar variation 4976632 (VCV004976632.1).
Genomic context (GRCh38, chr6:32,081,652, plus strand): 5'-GTCACGCCGGTCACTGTCAGTTCCCCCAGGAGGGGCTGCTCCAGGAACTCAGGGCGGGGG[GG>T]CTCCTCTTTCCTCTCTGGAGCTGTAAACAAGGAGATCCAGCCAGGTGCTGAACTGGCAGC-3'